The following is an entry in ClinVar:

ClinVar aggregate classification (germline): Uncertain significance. Review status: criteria provided, single submitter (1 of 4 stars). 2 submissions from 2 submitters: Uncertain significance (1). 1 of the submissions does not count toward it. Last evaluated 2025-12-30.

Conditions:
KANK1-related disorder. Also called: KANK1-related condition.

Allele frequency attached by ClinVar (database versions not stated): gnomAD exomes 0.00005; ExAC 0.00021; 1000 Genomes Project 30x 0.00031; 1000 Genomes Project 0.00040; gnomAD 0.00046; TOPMed 0.00054; ESP Exome Variant Server 0.00077.
gnomAD v4.1: 143 of 1,605,898 alleles (0.0089%); highest among the groups gnomAD compares: African/African-American, 0.17%; 1 homozygote.

Submissions (2):

Labcorp Genetics (formerly Invitae), Labcorp
Classification: Uncertain significance. Last evaluated: 2025-12-30. Review status: criteria provided, single submitter. Criteria: Invitae Variant Classification Sherloc (09022015). Collection method: clinical testing. Allele origin: germline.
Comment: This sequence change replaces aspartic acid, which is acidic and polar, with glycine, which is neutral and non-polar, at codon 824 of the KANK1 protein (p.Asp824Gly). This variant is present in population databases (rs35754868, gnomAD 0.2%), and has an allele count higher than expected for a pathogenic variant. This variant has not been reported in the literature in individuals affected with KANK1-related conditions. ClinVar contains an entry for this variant (Variation ID: 2196054). Invitae Evidence Modeling of protein sequence and biophysical properties (such as structural, functional, and spatial information, amino acid conservation, physicochemical variation, residue mobility, and thermodynamic stability) indicates that this missense variant is expected to disrupt KANK1 protein function with a positive predictive value of 80%. In summary, the available evidence is currently insufficient to determine the role of this variant in disease. Therefore, it has been classified as a Variant of Uncertain Significance.

PreventionGenetics, part of Exact Sciences
Classification: Likely benign for KANK1-related condition. Last evaluated: 2022-07-06. Review status: no assertion criteria provided. Collection method: clinical testing. Allele origin: germline. Not counted in ClinVar's aggregate classification.
Comment: This variant is classified as likely benign based on ACMG/AMP sequence variant interpretation guidelines (Richards et al. 2015 PMID: 25741868, with internal and published modifications).

NM_015158.5(KANK1):c.2471A>G (p.Asp824Gly)

Gene: KANK1 (KN motif and ankyrin repeat domains 1; plus strand). Cytogenetic location: 9p24.3.
Variant type: single nucleotide variant.
Coding change: c.2471A>G on transcript NM_015158.5 (MANE Select); coding-DNA position 2471, A replaced by G.
Protein change: p.Asp824Gly; replaces aspartic acid 824 with glycine.
Molecular consequence: missense variant. On other transcripts: non-coding transcript variant (1).
Genome position (GRCh38, 1-based): chr9:713,237, A>G. VCF-style: chr9-713237-A-G. GRCh37 (hg19) VCF-style: chr9-713237-A-G.
Other names: c.2471A>G, p.Asp824Gly (NM_001256876.3, NM_001256877.3, NM_001354331.2 and 2 more transcripts); c.1997A>G, p.Asp666Gly (NM_001354333.2, NM_001354335.2, NM_001354336.2 and 9 more transcripts); c.2471A>G (NM_015158.3); short protein forms D824G, D666G.
Identifiers: ClinVar variation 2196054 (VCV002196054.6), dbSNP rs35754868, ClinGen allele CA4960517.
Genomic context (GRCh38, chr9:713,237, plus strand): 5'-TAGGGGAATCTCTGGAGAACCCCCAGCCTCAAGCTCCACTTGGAATGATGACTGGCCTGG[A>G]TCACTACATTGAGCGTATCCAGAAGCTGCTGGCAGAACAGCAGACACTGCTGGCTGAGAA-3'
Protein context (NP_055973.2, residues 814-834): QAPLGMMTGL[Asp824Gly]HYIERIQKLL